The following is an entry in ClinVar:

ClinVar aggregate classification (germline): Conflicting classifications of pathogenicity. Review status: criteria provided, conflicting classifications (1 of 4 stars). 2 submissions from 2 submitters: Uncertain significance (1); Likely benign (1). Last evaluated 2022-10-03.

Conditions:
Inborn genetic diseases. Identifiers: MedGen C0950123, MeSH D030342.
COG8-congenital disorder of glycosylation. Also called: CDG IIh; COG8-CDG. Identifiers: Orphanet 95428, MedGen C1970021, MONDO:0012635, OMIM 611182.

Allele frequency attached by ClinVar (database versions not stated): gnomAD exomes 0.00002 and 0.00004; ExAC 0.00007; gnomAD 0.00014 and 0.00015; TOPMed 0.00016; ESP Exome Variant Server 0.00023.
gnomAD v4.1: 49 of 1,614,084 alleles (0.003%); highest among the groups gnomAD compares: African/African-American, 0.053%; no homozygotes.

Submissions (2):

Labcorp Genetics (formerly Invitae), Labcorp
Classification: Uncertain significance for COG8-congenital disorder of glycosylation. Last evaluated: 2022-10-03. Review status: criteria provided, single submitter. Criteria: Invitae Variant Classification Sherloc (09022015). Collection method: clinical testing. Allele origin: germline.
Comment: In summary, the available evidence is currently insufficient to determine the role of this variant in disease. Therefore, it has been classified as a Variant of Uncertain Significance. Advanced modeling of protein sequence and biophysical properties (such as structural, functional, and spatial information, amino acid conservation, physicochemical variation, residue mobility, and thermodynamic stability) performed at Invitae indicates that this missense variant is not expected to disrupt COG8 protein function. ClinVar contains an entry for this variant (Variation ID: 1384072). This variant has not been reported in the literature in individuals affected with COG8-related conditions. This variant is present in population databases (rs138398268, gnomAD 0.05%). This sequence change replaces leucine, which is neutral and non-polar, with valine, which is neutral and non-polar, at codon 517 of the COG8 protein (p.Leu517Val).

Ambry Genetics
Classification: Likely benign for Inborn genetic diseases. Last evaluated: 2021-10-12. Review status: criteria provided, single submitter. Criteria: Ambry Variant Classification Scheme 2023. Collection method: clinical testing. Allele origin: germline.

NM_032382.5(COG8):c.1549C>G (p.Leu517Val)

Gene: COG8 (component of oligomeric golgi complex 8; minus strand). Cytogenetic location: 16q22.1.
Variant type: single nucleotide variant.
Coding change: c.1549C>G on transcript NM_032382.5 (MANE Select); coding-DNA position 1549, C replaced by G.
Protein change: p.Leu517Val; replaces leucine 517 with valine.
Molecular consequence: missense variant. On other transcripts: intron variant (1).
Genome position (GRCh38, 1-based): chr16:69,332,747, G>C on the plus strand (C>G on the coding strand, the complement: COG8 is on the minus strand). VCF-style: chr16-69332747-G-C. GRCh37 (hg19) VCF-style: chr16-69366650-G-C.
Other names: c.1549C>G, p.Leu517Val (NM_001374871.1, NM_001379261.1, NM_001379262.1 and 3 more transcripts); c.1413+1774C>G (NM_001379266.1); c.1549C>G (NM_032382.4); short protein forms L517V.
Identifiers: ClinVar variation 1384072 (VCV001384072.9), dbSNP rs138398268, ClinGen allele CA8133684.